The following is an entry in ClinVar:

ClinVar aggregate classification (germline): Pathogenic (1 of 4 stars; one submission).

Conditions:
Episodic ataxia type 2 (EA2). Also called: ATAXIA, EPISODIC, WITH NYSTAGMUS; ATAXIA, FAMILIAL PAROXYSMAL; CEREBELLAR ATAXIA, PAROXYSMAL, ACETAZOLAMIDE-RESPONSIVE; CEREBELLOPATHY, HEREDITARY PAROXYSMAL; EPISODIC ATAXIA, NYSTAGMUS-ASSOCIATED; ACETAZOLAMIDE-RESPONSIVE HEREDITARY PAROXYSMAL CEREBELLAR ATAXIA. Identifiers: Orphanet 97, MedGen C1720416, MONDO:0007163, OMIM 108500.
Developmental and epileptic encephalopathy, 42 (DEE42A). Also called: DEVELOPMENTAL AND EPILEPTIC ENCEPHALOPATHY 42A; EPILEPTIC ENCEPHALOPATHY, EARLY INFANTILE, 42A; Epileptic encephalopathy, early infantile, 42. Identifiers: MedGen C4310716, MONDO:0014917, OMIM 617106.

Submission:

Labcorp Genetics (formerly Invitae), Labcorp
Classification: Pathogenic for Developmental and epileptic encephalopathy, 42; Episodic ataxia type 2. Last evaluated: 2022-06-14. Review status: criteria provided, single submitter. Criteria: Invitae Variant Classification Sherloc (09022015). Collection method: clinical testing. Allele origin: unknown.
Comment: For these reasons, this variant has been classified as Pathogenic. This variant disrupts a region of the CACNA1A protein in which other variant(s) (p.Arg1349Gln) have been determined to be pathogenic (PMID: 20097664, 21183743, 23831250, 26814174, 28007337, 31139143). This suggests that this is a clinically significant region of the protein, and that variants that disrupt it are likely to be disease-causing. This variant has not been reported in the literature in individuals affected with CACNA1A-related conditions. This variant is a gross deletion of the genomic region encompassing exon(s) 25-47 of the CACNA1A gene, which includes the termination codon. This deletion extends beyond the assayed region for this gene and therefore may encompass additional genes. While this deletion is not anticipated to lead to nonsense mediated decay, it is expected to alter mRNA translation or result in a truncated protein product.

Literature cited by the submitters: PubMed 20097664; PubMed 21183743; PubMed 23831250; PubMed 26814174; PubMed 28007337; PubMed 31139143.

NC_000019.9:g.(?_12651855)_(13373667_?)del

Genes: BEST2 (bestrophin 2; plus strand), CACNA1A (calcium voltage-gated channel subunit alpha1 A; minus strand), CALR (calreticulin; plus strand), DAND5 (DAN domain BMP antagonist family member 5; plus strand), DHPS (deoxyhypusine synthase; minus strand) and 29 more. Cytogenetic location: 19p13.2.
Variant type: Deletion.
Identifiers: ClinVar variation 3248501 (VCV003248501.1).